The following is an entry in ClinVar:

ClinVar aggregate classification (germline): Likely benign. Review status: criteria provided, multiple submitters, no conflicts (2 of 4 stars). 3 submissions from 3 submitters: Likely benign (3). Last evaluated 2025-10-09.

Conditions:
Hermansky-Pudlak syndrome 2 (HPS2). Also called: Platelet defects and oculocutaneous albinism. Identifiers: Orphanet 183678, Orphanet 79430, MedGen C1842362, MONDO:0011997, OMIM 608233.

Allele frequency attached by ClinVar (database versions not stated): gnomAD 0.00001; gnomAD exomes 0.00001 and 0.00002.
gnomAD v4.1: 29 of 1,607,076 alleles (0.0018%); highest among the groups gnomAD compares: Non-Finnish European, 0.0025%; no homozygotes.

Submissions (3):

Mayo Clinic Laboratories, Mayo Clinic
Classification: Likely benign. Last evaluated: 2025-10-09. Review status: criteria provided, single submitter. Criteria: ACMG Guidelines, 2015. Collection method: clinical testing. Allele origin: germline. Observed: 1 variant allele.
Comment: BP4, BP7

Women's Health and Genetics/Laboratory Corporation of America, LabCorp
Classification: Likely benign. Last evaluated: 2024-07-01. Review status: criteria provided, single submitter. Criteria: LabCorp Variant Classification Summary - May 2015. Collection method: clinical testing. Allele origin: germline.

Labcorp Genetics (formerly Invitae), Labcorp
Classification: Likely benign for Hermansky-Pudlak syndrome 2. Last evaluated: 2023-08-10. Review status: criteria provided, single submitter. Criteria: Invitae Variant Classification Sherloc (09022015). Collection method: clinical testing. Allele origin: germline.

NM_003664.5(AP3B1):c.1837+10G>A

Gene: AP3B1 (adaptor related protein complex 3 subunit beta 1; minus strand). Cytogenetic location: 5q14.1.
Variant type: single nucleotide variant.
Coding change: c.1837+10G>A on transcript NM_003664.5 (MANE Select); 10 bases into the intron after coding-DNA position 1837, G replaced by A.
Molecular consequence: intron variant.
Genome position (GRCh38, 1-based): chr5:78,129,111, C>T on the plus strand (G>A on the coding strand, the complement: AP3B1 is on the minus strand). VCF-style: chr5-78129111-C-T. GRCh37 (hg19) VCF-style: chr5-77424935-C-T.
Other names: p.?; c.1837+10G>A (NM_003664.4); c.1690+10G>A (NM_001271769.2).
Identifiers: ClinVar variation 1111557 (VCV001111557.11), dbSNP rs1028071929, ClinGen allele CA121089732.
Genomic context (GRCh38, chr5:78,129,111, plus strand): 5'-ATTAGAAATGGCAACATCTTGTCATAATTTTTTAGATAACATATATTTTGGAGTTATATT[C>T]TGATAATACCTTTAAAAGGAGACTCAAGCAGTGGTGCAGGCTTTTGTGCTAGGAATATTT-3'